The following is an entry in ClinVar:

ClinVar aggregate classification (germline): Uncertain significance (1 of 4 stars; one submission).

Conditions:
Spondylodysplastic Ehlers-Danlos syndrome. Identifiers: Orphanet 536471, Orphanet 75496, MedGen C5680154, MONDO:0007526.

Allele frequency attached by ClinVar (database versions not stated): gnomAD exomes below 0.00001; ExAC 0.00001.
gnomAD v4.1: 1 of 1,612,510 alleles (0.000062%); no homozygotes.

Submission:

Labcorp Genetics (formerly Invitae), Labcorp
Classification: Uncertain significance for Spondylodysplastic Ehlers-Danlos syndrome. Last evaluated: 2024-02-17. Review status: criteria provided, single submitter. Criteria: Invitae Variant Classification Sherloc (09022015). Collection method: clinical testing. Allele origin: germline.
Comment: This sequence change replaces threonine, which is neutral and polar, with isoleucine, which is neutral and non-polar, at codon 321 of the B4GALT7 protein (p.Thr321Ile). This variant is present in population databases (rs773712777, gnomAD 0.0009%). This variant has not been reported in the literature in individuals affected with B4GALT7-related conditions. ClinVar contains an entry for this variant (Variation ID: 1349712). An algorithm developed to predict the effect of missense changes on protein structure and function (PolyPhen-2) suggests that this variant is likely to be disruptive. In summary, the available evidence is currently insufficient to determine the role of this variant in disease. Therefore, it has been classified as a Variant of Uncertain Significance.

NM_007255.3(B4GALT7):c.962C>T (p.Thr321Ile)

Gene: B4GALT7 (beta-1,4-galactosyltransferase 7; plus strand). Cytogenetic location: 5q35.3.
Variant type: single nucleotide variant.
Coding change: c.962C>T on transcript NM_007255.3 (MANE Select); coding-DNA position 962, C replaced by T.
Protein change: p.Thr321Ile; replaces threonine 321 with isoleucine.
Molecular consequence: missense variant.
Genome position (GRCh38, 1-based): chr5:177,609,673, C>T. VCF-style: chr5-177609673-C-T. GRCh37 (hg19) VCF-style: chr5-177036674-C-T.
Other names: short protein forms T321I.
Identifiers: ClinVar variation 1349712 (VCV001349712.6), dbSNP rs773712777, ClinGen allele CA3586756.